The following is an entry in ClinVar:

NM_003937.3(KYNU):c.1273T>C (p.Cys425Arg)

Gene: KYNU (kynureninase; plus strand). Cytogenetic location: 2q22.2.
Variant type: single nucleotide variant.
Coding change: c.1273T>C on transcript NM_003937.3 (MANE Select); coding-DNA position 1273, T replaced by C.
Protein change: p.Cys425Arg; replaces cysteine 425 with arginine.
Molecular consequence: missense variant.
Genome position (GRCh38, 1-based): chr2:143,042,047, T>C. VCF-style: chr2-143042047-T-C. GRCh37 (hg19) VCF-style: chr2-143799616-T-C.
Other names: c.1273T>C, p.Cys425Arg (NM_001199241.2); short protein forms C425R.
Identifiers: ClinVar variation 3584375 (VCV003584375.3).

ClinVar aggregate classification (germline): Uncertain significance. Review status: criteria provided, multiple submitters, no conflicts (2 of 4 stars). 2 submissions from 2 submitters: Uncertain significance (2). Last evaluated 2025-11-17.

Conditions:
Vertebral, cardiac, renal, and limb defects syndrome 2. Also called: KYNURENINASE DEFICIENCY, COMPLETE; CONGENITAL NAD DEFICIENCY DISORDER 2. Identifiers: MedGen C4540014, MONDO:0060555, OMIM 617661.
Hydroxykynureninuria. Also called: Xanthurenic aciduria; Kynureninase deficiency; Encephalopathy due to hydroxykynureninuria. Identifiers: Orphanet 79155, MedGen C0268474, MONDO:0009372, OMIM 236800.

gnomAD v4.1: 37 of 1,611,388 alleles (0.0023%); highest among the groups gnomAD compares: Non-Finnish European, 0.0031%; no homozygotes.

Submissions (2):

Dasa
Classification: Uncertain significance for vertebral, cardiac, renal, and limb defects syndrome 2. Last evaluated: 2025-11-17. Review status: criteria provided, single submitter. Criteria: DASA Assertion Criteria. Collection method: clinical testing. Allele origin: germline.
Comment: NM_003937.3(KYNU):c.1273T>C (p.Cys425Arg) is a missense variant that results in the substitution of cysteine with arginine. This variant is rare in population databases. Computational prediction algorithms are consistent with a deleterious effect. The currently available literature and clinical evidence are not sufficient to establish a definitive association between this variant and the reported condition. Therefore, this variant is classified as a variant of uncertain significance.

Fulgent Genetics
Classification: Uncertain significance for Hydroxykynureninuria; Vertebral, cardiac, renal, and limb defects syndrome 2. Last evaluated: 2023-12-29. Review status: criteria provided, single submitter. Criteria: ACMG Guidelines, 2015. Collection method: clinical testing. Allele origin: germline.